The following is an entry in ClinVar:

NM_002439.5(MSH3):c.343dup (p.Met115fs)

Gene: MSH3 (mutS homolog 3; plus strand). Cytogenetic location: 5q14.1.
Variant type: Duplication.
Coding change: c.343dup on transcript NM_002439.5 (MANE Select); coding-DNA position 343, one base duplicated (A; older notation c.343dupA).
Protein change: p.Met115fs; shifts the reading frame from methionine 115.
Molecular consequence: frameshift variant.
Genome position (GRCh38, 1-based): chr5:80,656,516, A duplicated; the last of 2 consecutive A bases (chr5:80,656,515-80,656,516); duplicating either gives the same sequence. VCF-style (leftmost placement, unchanged base first): chr5-80656514-G-GA. GRCh37 (hg19) VCF-style: chr5-79952333-G-GA.
Other names: short protein forms M115fs.
Identifiers: ClinVar variation 4111108 (VCV004111108.1).

ClinVar aggregate classification (germline): Pathogenic (1 of 4 stars; one submission).

Conditions:
Hereditary cancer-predisposing syndrome. Also called: Tumor predisposition; Neoplastic Syndromes, Hereditary; Hereditary neoplastic syndrome; Hereditary Cancer Syndrome. Identifiers: Orphanet 140162, MedGen C0027672, MeSH D009386, MONDO:0015356.

Submission:

Ambry Genetics
Classification: Pathogenic for Hereditary cancer-predisposing syndrome. Last evaluated: 2025-08-11. Review status: criteria provided, single submitter. Criteria: Ambry Variant Classification Scheme 2023. Collection method: clinical testing. Allele origin: germline.
Comment: The c.343dupA pathogenic mutation, located in coding exon 2 of the MSH3 gene, results from a duplication of A at nucleotide position 343, causing a translational frameshift with a predicted alternate stop codon (p.M115Nfs*6). This variant is considered to be rare based on population cohorts in the Genome Aggregation Database (gnomAD). This alteration is expected to result in loss of function by premature protein truncation or nonsense-mediated mRNA decay. As such, this alteration is interpreted as a disease-causing mutation.